The following is an entry in ClinVar:

ClinVar aggregate classification (germline): Uncertain significance (1 of 4 stars; one submission).

Conditions:
Long QT syndrome (LQTS). Identifiers: MedGen C0023976, MeSH D008133, MONDO:0002442. Disease mechanism: loss of function. Inheritance: Various modes of inheritance.

Submission:

All of Us Research Program, National Institutes of Health
Classification: Uncertain significance for Long QT syndrome. Last evaluated: 2024-01-11. Review status: criteria provided, single submitter. Criteria: ACMG Guidelines, 2015. Collection method: clinical testing. Allele origin: germline. Inheritance: Autosomal dominant inheritance. Observed: 1 variant allele, 1 heterozygote.
Comment: This study involves interpretation of variants in research participants for the purpose of population health screening. Participant phenotype was not available at the time of variant classification. Additional details can be found in publication PMID: 35346344, PMCID: PMC8962531

NM_000218.3(KCNQ1):c.1856T>C (p.Leu619Ser)

Genes: KCNQ1 (potassium voltage-gated channel subfamily Q member 1; plus strand), KCNQ1-AS1 (KCNQ1 antisense RNA 1; minus strand). Cytogenetic location: 11p15.4.
Variant type: single nucleotide variant.
Coding change: c.1856T>C on transcript NM_000218.3 (MANE Select); coding-DNA position 1856, T replaced by C.
Protein change: p.Leu619Ser; replaces leucine 619 with serine.
Molecular consequence: missense variant.
Genome position (GRCh38, 1-based): chr11:2,847,828, T>C. VCF-style: chr11-2847828-T-C. GRCh37 (hg19) VCF-style: chr11-2869058-T-C.
Other names: c.1760T>C, p.Leu587Ser (NM_001406836.1); c.1586T>C, p.Leu529Ser (NM_001406837.1); c.1316T>C, p.Leu439Ser (NM_001406838.1); c.368T>C, p.Leu123Ser (NM_001406839.1); c.1475T>C, p.Leu492Ser (NM_181798.2); short protein forms L123S, L439S, L492S, L529S, L587S, L619S.
Identifiers: ClinVar variation 3074960 (VCV003074960.1), dbSNP rs2494326040, ClinGen allele CA379140301.